The following is an entry in ClinVar:

NM_000439.5(PCSK1):c.1858del (p.Val620fs)

Genes: CAST (calpastatin; plus strand), PCSK1 (proprotein convertase subtilisin/kexin type 1; minus strand), LOC101929710 (uncharacterized LOC101929710; plus strand). Cytogenetic location: 5q15.
Variant type: Deletion.
Coding change: c.1858del on transcript NM_000439.5 (MANE Select); coding-DNA position 1858, one base deleted (G; older notation c.1858delG).
Protein change: p.Val620fs; shifts the reading frame from valine 620.
Molecular consequence: frameshift variant. On other transcripts: intron variant (11).
Genome position (GRCh38, 1-based): chr5:96,394,890, C deleted on the plus strand (G on the coding strand, the reverse complement: PCSK1 is on the minus strand); the first of 4 consecutive C bases (chr5:96,394,890-96,394,893); deleting any one gives the same sequence. VCF-style (leftmost placement, unchanged base first): chr5-96394889-AC-A. GRCh37 (hg19) VCF-style: chr5-95730593-AC-A.
Other names: c.1717del, p.Val573fs (NM_001177875.2); c.-175+15241del (NM_001423254.1, NM_001423259.1, NM_001423255.1 and 6 more transcripts); c.-103+15241del (NM_001423253.1); c.-40+15241del (NM_001423258.1); short protein forms V573fs, V620fs.
Identifiers: ClinVar variation 4886427 (VCV004886427.2).

ClinVar aggregate classification (germline): Likely pathogenic (1 of 4 stars; one submission).

Submission:

Dasa
Classification: Likely pathogenic. Last evaluated: 2026-01-02. Review status: criteria provided, single submitter. Criteria: DASA Assertion Criteria. Collection method: clinical testing. Allele origin: germline.
Comment: NM_000439.5(PCSK1):c.1858del (p.Val620Trpfs*32) is a frameshift variant in PCSK1 predicted to alter the reading frame and introduce a premature termination codon and is predicted to result in an absent or altered protein product. Loss of function is an established disease mechanism for PCSK1-associated disorders. Also, this variant is absent from population databases. Based on the currently available evidence, this variant is classified as likely pathogenic.